The following is an entry in ClinVar:

NM_001159699.2(FHL1):c.288del (p.Phe96fs)

Gene: FHL1 (four and a half LIM domains 1; plus strand). Cytogenetic location: Xq26.3.
Variant type: Deletion.
Coding change: c.288del on transcript NM_001159699.2 (MANE Select); coding-DNA position 288, one base deleted (T; older notation c.288delT).
Protein change: p.Phe96fs; shifts the reading frame from phenylalanine 96.
Molecular consequence: frameshift variant. On other transcripts: non-coding transcript variant (1).
Genome position (GRCh38, 1-based): chrX:136,207,099, T deleted; the last of 3 consecutive T bases (chrX:136,207,097-136,207,099); deleting any one gives the same sequence. VCF-style (leftmost placement, unchanged base first): chrX-136207096-CT-C. GRCh37 (hg19) VCF-style: chrX-135289255-CT-C.
Other names: c.288del, p.Phe96fs (NM_001330659.2); c.240del, p.Phe80fs (NM_001369326.1, NM_001369327.2, NM_001369328.1 and 9 more transcripts); c.327del, p.Phe109fs (NM_001159701.2); short protein forms F109fs, F96fs, F80fs.
Identifiers: ClinVar variation 1457827 (VCV001457827.8), dbSNP rs2148373432, ClinGen allele CA2573159244.

ClinVar aggregate classification (germline): Pathogenic. Review status: criteria provided, multiple submitters, no conflicts (2 of 4 stars). 2 submissions from 2 submitters: Pathogenic (2). Last evaluated 2022-02-16.

Conditions:
X-linked myopathy with postural muscle atrophy. Also called: FHL1-Related Emery-Dreifuss Muscular Dystrophy, X-Linked. Identifiers: Orphanet 178461, MedGen C2678055, MONDO:0010401, OMIM 300696.
Cardiovascular phenotype. Identifiers: MedGen CN230736.

Submissions (2):

Ambry Genetics
Classification: Pathogenic for Cardiovascular phenotype. Last evaluated: 2022-02-16. Review status: criteria provided, single submitter. Criteria: Ambry Variant Classification Scheme 2023. Collection method: clinical testing. Allele origin: germline.
Comment: The c.240delT pathogenic mutation, located in coding exon 2 of the FHL1 gene, results from a deletion of one nucleotide at nucleotide position 240, causing a translational frameshift with a predicted alternate stop codon (p.F80Lfs*72). This variant is considered to be rare based on population cohorts in the Genome Aggregation Database (gnomAD). This alteration is expected to result in loss of function by premature protein truncation or nonsense-mediated mRNA decay. As such, this alteration is interpreted as a disease-causing mutation.

Labcorp Genetics (formerly Invitae), Labcorp
Classification: Pathogenic for X-linked myopathy with postural muscle atrophy. Last evaluated: 2021-08-29. Review status: criteria provided, single submitter. Criteria: Invitae Variant Classification Sherloc (09022015). Collection method: clinical testing. Allele origin: germline.
Comment: This sequence change creates a premature translational stop signal (p.Phe80Leufs*72) in the FHL1 gene. It is expected to result in an absent or disrupted protein product. Loss-of-function variants in FHL1 are known to be pathogenic (PMID: 18179888, 19687455, 19716112, 22523091, 24114807). This variant is not present in population databases (ExAC no frequency). This variant has not been reported in the literature in individuals affected with FHL1-related conditions. For these reasons, this variant has been classified as Pathogenic.

Literature cited by the submitters: PubMed 18179888 (cited by Labcorp Genetics (formerly Invitae), Labcorp); PubMed 19687455 (cited by Labcorp Genetics (formerly Invitae), Labcorp); PubMed 19716112 (cited by Labcorp Genetics (formerly Invitae), Labcorp); PubMed 22523091 (cited by Labcorp Genetics (formerly Invitae), Labcorp); PubMed 24114807 (cited by Labcorp Genetics (formerly Invitae), Labcorp).